The following is an entry in ClinVar:

ClinVar aggregate classification (germline): Uncertain significance (1 of 4 stars; one submission).

Conditions:
SYT1-related disorder. Also called: SYT1-related condition.

Submission:

PreventionGenetics, part of Exact Sciences
Classification: Uncertain significance for SYT1-related condition. Last evaluated: 2025-04-18. Review status: criteria provided, single submitter. Criteria: ACMG Guidelines, 2015. Collection method: clinical testing. Allele origin: germline.
Comment: The SYT1 c.511G>A variant is predicted to result in the amino acid substitution p.Ala171Thr. To our knowledge, this variant has not been reported in the literature or in a large population database (gnomAD), indicating this variant is rare. At this time, the clinical significance of this variant is uncertain due to the absence of conclusive functional and genetic evidence.

NM_005639.3(SYT1):c.511G>A (p.Ala171Thr)

Gene: SYT1 (synaptotagmin 1; plus strand). Cytogenetic location: 12q21.2.
Variant type: single nucleotide variant.
Coding change: c.511G>A on transcript NM_005639.3 (MANE Select); coding-DNA position 511, G replaced by A.
Protein change: p.Ala171Thr; replaces alanine 171 with threonine.
Molecular consequence: missense variant.
Genome position (GRCh38, 1-based): chr12:79,296,105, G>A. VCF-style: chr12-79296105-G-A. GRCh37 (hg19) VCF-style: chr12-79689885-G-A.
Other names: c.511G>A, p.Ala171Thr (NM_001135805.2, NM_001135806.2, NM_001415938.1 and 2 more transcripts); c.502G>A, p.Ala168Thr (NM_001291901.2, NM_001415941.1, NM_001415942.1 and 1 more transcripts); short protein forms A171T, A168T.
Identifiers: ClinVar variation 4999434 (VCV004999434.1).
Genomic context (GRCh38, chr12:79,296,105, plus strand): 5'-GCTGTATTCTGTCATTTATTTCAGCTGCTGGTAGGGATCATTCAGGCTGCCGAACTGCCC[G>A]CCTTGGACATGGGGGGCACATCTGATCCTTACGTGAAAGTGTTTCTGCTACCTGATAAGA-3'
Protein context (NP_005630.1, residues 161-181): VGIIQAAELP[Ala171Thr]LDMGGTSDPY